The following is an entry in ClinVar:

ClinVar aggregate classification (germline): Uncertain significance (1 of 4 stars; one submission).

Conditions:
Evans syndrome, immunodeficiency, and premature immunosenescence associated with tripeptidyl-peptidase II deficiency. Identifiers: MedGen CN231723. Disease mechanism: loss of function.

Submission:

Labcorp Genetics (formerly Invitae), Labcorp
Classification: Uncertain significance for Evans syndrome, immunodeficiency, and premature immunosenescence associated with tripeptidyl-peptidase II deficiency. Last evaluated: 2023-01-12. Review status: criteria provided, single submitter. Criteria: Invitae Variant Classification Sherloc (09022015). Collection method: clinical testing. Allele origin: germline.
Comment: Algorithms developed to predict the effect of missense changes on protein structure and function (SIFT, PolyPhen-2, Align-GVGD) all suggest that this variant is likely to be tolerated. This variant has not been reported in the literature in individuals affected with TPP2-related conditions. This variant is not present in population databases (gnomAD no frequency). This sequence change replaces alanine, which is neutral and non-polar, with threonine, which is neutral and polar, at codon 489 of the TPP2 protein (p.Ala489Thr). In summary, the available evidence is currently insufficient to determine the role of this variant in disease. Therefore, it has been classified as a Variant of Uncertain Significance.

NM_001330588.2(TPP2):c.1465G>A (p.Ala489Thr)

Gene: TPP2 (tripeptidyl peptidase 2; plus strand). Cytogenetic location: 13q33.1.
Variant type: single nucleotide variant.
Coding change: c.1465G>A on transcript NM_001330588.2 (MANE Select); coding-DNA position 1465, G replaced by A.
Protein change: p.Ala489Thr; replaces alanine 489 with threonine.
Molecular consequence: missense variant. On other transcripts: non-coding transcript variant (1).
Genome position (GRCh38, 1-based): chr13:102,635,658, G>A. VCF-style: chr13-102635658-G-A. GRCh37 (hg19) VCF-style: chr13-103288008-G-A.
Other names: c.1465G>A, p.Ala489Thr (NM_001367947.1, NM_003291.4); short protein forms A489T.
Identifiers: ClinVar variation 2879757 (VCV002879757.3), dbSNP rs2503981371, ClinGen allele CA388486950.